The following is an entry in ClinVar:

NM_000233.4(LHCGR):c.707C>T (p.Ala236Val)

Genes: LHCGR (luteinizing hormone/choriogonadotropin receptor; minus strand), STON1-GTF2A1L (STON1-GTF2A1L readthrough; plus strand). Cytogenetic location: 2p16.3.
Variant type: single nucleotide variant.
Coding change: c.707C>T on transcript NM_000233.4 (MANE Select); coding-DNA position 707, C replaced by T.
Protein change: p.Ala236Val; replaces alanine 236 with valine.
Molecular consequence: missense variant. On other transcripts: intron variant (1).
Genome position (GRCh38, 1-based): chr2:48,698,774, G>A on the plus strand (C>T on the coding strand, the complement: LHCGR is on the minus strand). VCF-style: chr2-48698774-G-A. GRCh37 (hg19) VCF-style: chr2-48925913-G-A.
Other names: c.3441+27094G>A (NM_001198593.2); short protein forms A236V.
Identifiers: ClinVar variation 897074 (VCV000897074.7), dbSNP rs140148170, ClinGen allele CA1653183.

ClinVar aggregate classification (germline): Conflicting classifications of pathogenicity. Review status: criteria provided, conflicting classifications (1 of 4 stars). 3 submissions from 2 submitters: Uncertain significance (2); Benign (1). Last evaluated 2024-01-29.

Conditions:
Leydig cell agenesis. Also called: LEYDIG CELL HYPOPLASIA WITH MALE PSEUDOHERMAPHRODITISM; LEYDIG CELL HYPOPLASIA, COMPLETE; Leydig cell hypoplasia, type 1; HYPERGONADOTROPIC HYPOGONADISM, MALE, DUE TO LHCGR DEFECT. Identifiers: MedGen C0266432, MONDO:0009384, OMIM 238320.
Gonadotropin-independent familial sexual precocity. Also called: Familial male-limited precocious puberty; TESTOTOXICOSIS, FAMILIAL. Identifiers: Orphanet 3000, MedGen C0342549, MONDO:0008303, OMIM 176410.

Allele frequency attached by ClinVar (database versions not stated): gnomAD exomes 0.00011 and 0.00013; TOPMed 0.00013; ExAC 0.00014; gnomAD 0.00014 and 0.00017; ESP Exome Variant Server 0.00015.
gnomAD v4.1: 213 of 1,613,968 alleles (0.013%); highest among the groups gnomAD compares: Middle Eastern, 0.066%; no homozygotes.

Submissions (3):

Labcorp Genetics (formerly Invitae), Labcorp
Classification: Uncertain significance. Last evaluated: 2024-01-29. Review status: criteria provided, single submitter. Criteria: Invitae Variant Classification Sherloc (09022015). Collection method: clinical testing. Allele origin: germline.
Comment: This sequence change replaces alanine, which is neutral and non-polar, with valine, which is neutral and non-polar, at codon 236 of the LHCGR protein (p.Ala236Val). This variant is present in population databases (rs140148170, gnomAD 0.02%). This variant has not been reported in the literature in individuals affected with LHCGR-related conditions. ClinVar contains an entry for this variant (Variation ID: 897074). Advanced modeling of protein sequence and biophysical properties (such as structural, functional, and spatial information, amino acid conservation, physicochemical variation, residue mobility, and thermodynamic stability) performed at Invitae indicates that this missense variant is not expected to disrupt LHCGR protein function with a negative predictive value of 80%. Algorithms developed to predict the effect of sequence changes on RNA splicing suggest that this variant may disrupt the consensus splice site. In summary, the available evidence is currently insufficient to determine the role of this variant in disease. Therefore, it has been classified as a Variant of Uncertain Significance.

Illumina Laboratory Services, Illumina
Classification: Uncertain significance for Leydig cell agenesis. Last evaluated: 2018-01-13. Review status: criteria provided, single submitter. Criteria: ICSL Variant Classification Criteria 13 December 2019. Collection method: clinical testing. Allele origin: germline.

Illumina Laboratory Services, Illumina
Classification: Benign for Gonadotropin-independent familial sexual precocity. Last evaluated: 2018-01-13. Review status: criteria provided, single submitter. Criteria: ICSL Variant Classification Criteria 13 December 2019. Collection method: clinical testing. Allele origin: germline.
Comment: This variant was observed in the ICSL laboratory as part of a predisposition screen in an ostensibly healthy population. It had not been previously curated by ICSL or reported in the Human Gene Mutation Database (HGMD: prior to June 1st, 2018), and was therefore a candidate for classification through an automated scoring system. Utilizing variant allele frequency, disease prevalence and penetrance estimates, and inheritance mode, an automated score was calculated to assess if this variant is too frequent to cause the disease. Based on the score and internal cut-off values, a variant classified as benign is not then subjected to further curation. The score for this variant resulted in a classification of benign for this disease.